The following is an entry in ClinVar:

ClinVar aggregate classification (germline): Uncertain significance. Review status: criteria provided, multiple submitters, no conflicts (2 of 4 stars). 3 submissions from 3 submitters: Uncertain significance (3). Last evaluated 2025-11-25.

Conditions:
Inborn genetic diseases. Identifiers: MedGen C0950123, MeSH D030342.
Baller-Gerold syndrome (BGS). Also called: CRANIOSYNOSTOSIS WITH RADIAL DEFECTS. Identifiers: Orphanet 1225, MedGen C0265308, MONDO:0009039, OMIM 218600.

Allele frequency attached by ClinVar (database versions not stated): gnomAD exomes below 0.00001 and 0.00002; TOPMed 0.00001; ExAC 0.00003.
gnomAD v4.1: 6 of 1,613,476 alleles (0.00037%); highest among the groups gnomAD compares: East Asian, 0.011%; no homozygotes.

Submissions (3):

Labcorp Genetics (formerly Invitae), Labcorp
Classification: Uncertain significance for Baller-Gerold syndrome. Last evaluated: 2025-11-25. Review status: criteria provided, single submitter. Criteria: Invitae Variant Classification Sherloc (09022015). Collection method: clinical testing. Allele origin: germline.
Comment: This sequence change replaces serine, which is neutral and polar, with threonine, which is neutral and polar, at codon 313 of the RECQL4 protein (p.Ser313Thr). This variant is present in population databases (rs762426271, gnomAD 0.02%). This variant has not been reported in the literature in individuals affected with RECQL4-related conditions. ClinVar contains an entry for this variant (Variation ID: 459532). Invitae Evidence Modeling of protein sequence and biophysical properties (such as structural, functional, and spatial information, amino acid conservation, physicochemical variation, residue mobility, and thermodynamic stability) indicates that this missense variant is not expected to disrupt RECQL4 protein function with a negative predictive value of 80%. In summary, the available evidence is currently insufficient to determine the role of this variant in disease. Therefore, it has been classified as a Variant of Uncertain Significance.

Ambry Genetics
Classification: Uncertain significance for Inborn genetic diseases. Last evaluated: 2025-01-06. Review status: criteria provided, single submitter. Criteria: Ambry Variant Classification Scheme 2023. Collection method: clinical testing. Allele origin: germline.
Comment: The p.S313T variant (also known as c.938G>C), located in coding exon 5 of the RECQL4 gene, results from a G to C substitution at nucleotide position 938. The serine at codon 313 is replaced by threonine, an amino acid with similar properties. This amino acid position is conserved. In addition, this alteration is predicted to be tolerated by in silico analysis. Based on the available evidence, the clinical significance of this variant remains unclear.

Blueprint Genetics
Classification: Uncertain significance. Last evaluated: 2022-10-05. Review status: criteria provided, single submitter. Criteria: ACMG Guidelines, 2015. Collection method: clinical testing. Allele origin: germline.

NM_004260.4(RECQL4):c.938G>C (p.Ser313Thr)

Gene: RECQL4 (RecQ like helicase 4; minus strand). Cytogenetic location: 8q24.3.
Variant type: single nucleotide variant.
Coding change: c.938G>C on transcript NM_004260.4 (MANE Select); coding-DNA position 938, G replaced by C.
Protein change: p.Ser313Thr; replaces serine 313 with threonine.
Molecular consequence: missense variant.
Genome position (GRCh38, 1-based): chr8:144,516,181, C>G on the plus strand (G>C on the coding strand, the complement: RECQL4 is on the minus strand). VCF-style: chr8-144516181-C-G. GRCh37 (hg19) VCF-style: chr8-145741565-C-G.
Other names: short protein forms S313T.
Identifiers: ClinVar variation 459532 (VCV000459532.7), dbSNP rs762426271, ClinGen allele CA4949135.